The following is an entry in ClinVar:

NM_032043.3(BRIP1):c.1941G>C (p.Trp647Cys)

Gene: BRIP1 (BRCA1 interacting DNA helicase 1; minus strand). Cytogenetic location: 17q23.2.
Variant type: single nucleotide variant.
Coding change: c.1941G>C on transcript NM_032043.3 (MANE Select); coding-DNA position 1941, G replaced by C.
Protein change: p.Trp647Cys; replaces tryptophan 647 with cysteine.
Molecular consequence: missense variant.
Genome position (GRCh38, 1-based): chr17:61,776,557, C>G on the plus strand (G>C on the coding strand, the complement: BRIP1 is on the minus strand). VCF-style: chr17-61776557-C-G. GRCh37 (hg19) VCF-style: chr17-59853918-C-G.
Other names: short protein forms W647C.
Identifiers: ClinVar variation 241635 (VCV000241635.28), dbSNP rs786202760, ClinGen allele CA10583627.
Genomic context (GRCh38, chr17:61,776,557, plus strand): 5'-AGTATTCTGGAAGGTAGCACAGAGATTCCGACCCTTGGGGCCTGACCCAATGGTACCAAC[C>G]CAAACCTAGAATATGAATATGTCATTATTAGAGTTATGCCTGAAAAAGGCATGGAAATTA-3'
Protein context (NP_114432.2, residues 637-657): ANHIIKNSQV[Trp647Cys]VGTIGSGPKG

ClinVar aggregate classification (germline): Conflicting classifications of pathogenicity. Review status: criteria provided, conflicting classifications (1 of 4 stars). 9 submissions from 9 submitters: Likely pathogenic (1); Uncertain significance (7). 1 of the submissions does not count toward it. Last evaluated 2025-12-16.

Conditions:
Hereditary cancer-predisposing syndrome. Also called: Neoplastic Syndromes, Hereditary; Tumor predisposition; Hereditary neoplastic syndrome; Hereditary Cancer Syndrome. Identifiers: Orphanet 140162, MedGen C0027672, MeSH D009386, MONDO:0015356.
Familial cancer of breast. Also called: BREAST CANCER, FAMILIAL; Hereditary breast cancer; hereditary breast carcinoma. Identifiers: Orphanet 227535, MedGen C0346153, MONDO:0016419, OMIM 114480. Disease mechanism: loss of function.
Fanconi anemia complementation group J. Also called: BRIP1-Related Fanconi Anemia. Identifiers: Orphanet 84, MedGen C1836860, MONDO:0012187, OMIM 609054.
Hereditary breast ovarian cancer syndrome. Also called: Hereditary breast and ovarian cancer; Hereditary breast and ovarian cancer syndrome (HBOC); BRCA1- and BRCA2-Associated Hereditary Breast and Ovarian Cancer; Hereditary breast and/or ovarian cancer syndrome; Breast and ovarian cancer; Hereditary breast and ovarian cancer syndrome. Identifiers: Orphanet 145, MedGen C0677776, MeSH D061325, MONDO:0003582. Disease mechanism: loss of function.

Allele frequency attached by ClinVar (database versions not stated): gnomAD exomes below 0.00001; TOPMed 0.00002.
gnomAD v4.1: 4 of 1,613,870 alleles (0.00025%); highest among the groups gnomAD compares: Admixed American, 0.0033%; no homozygotes.

Submissions (9):

Labcorp Genetics (formerly Invitae), Labcorp
Classification: Uncertain significance for Familial cancer of breast; Fanconi anemia complementation group J. Last evaluated: 2025-12-16. Review status: criteria provided, single submitter. Criteria: Invitae Variant Classification Sherloc (09022015). Collection method: clinical testing. Allele origin: germline.
Comment: This sequence change replaces tryptophan, which is neutral and slightly polar, with cysteine, which is neutral and slightly polar, at codon 647 of the BRIP1 protein (p.Trp647Cys). This variant is present in population databases (no rsID available, gnomAD 0.003%). This missense change has been observed in individual(s) with breast cancer, Fanconi anemia type J, and/or ovarian cancer (PMID: 16116423, 25981591, 32986223, 35264596, 35534704). ClinVar contains an entry for this variant (Variation ID: 241635). Invitae Evidence Modeling of protein sequence and biophysical properties (such as structural, functional, and spatial information, amino acid conservation, physicochemical variation, residue mobility, and thermodynamic stability) indicates that this missense variant is expected to disrupt BRIP1 protein function with a positive predictive value of 95%. Experimental studies have shown that this missense change affects BRIP1 function (PMID: 29788478). In summary, the available evidence is currently insufficient to determine the role of this variant in disease. Therefore, it has been classified as a Variant of Uncertain Significance.

Color Diagnostics, LLC DBA Color Health
Classification: Uncertain significance for Hereditary cancer-predisposing syndrome. Last evaluated: 2025-09-09. Review status: criteria provided, single submitter. Criteria: ACMG Guidelines, 2015. Collection method: clinical testing. Allele origin: germline.
Comment: This missense variant replaces tryptophan with cysteine at codon 647 of the BRIP1 protein. Computational prediction suggests that this variant may have deleterious impact on protein structure and function. A functional study has shown that this variant protein displays reduced helicase activity in an in vitro assay (PMID: 29788478). This variant has been reported in an individual affected with Fanconi anemia complementation group J (PMID: 16116423). This variant has also been reported in an individual affected with breast cancer (PMID: 25981591). This variant has been identified in 1/251268 chromosomes in the general population by the Genome Aggregation Database (gnomAD). The available evidence is insufficient to determine the role of this variant in disease conclusively. Therefore, this variant is classified as a Variant of Uncertain Significance.

Ambry Genetics
Classification: Uncertain significance for Hereditary cancer-predisposing syndrome. Last evaluated: 2024-10-09. Review status: criteria provided, single submitter. Criteria: Ambry Variant Classification Scheme 2023. Collection method: clinical testing. Allele origin: germline.
Comment: The p.W647C variant (also known as c.1941G>C), located in coding exon 13 of the BRIP1 gene, results from a G to C substitution at nucleotide position 1941. The tryptophan at codon 647 is replaced by cysteine, an amino acid with highly dissimilar properties. In a study of 8 patients diagnosed with Fanconi Anemia complementation group J (FA-J), this variant was seen in a patient who was also found to have another BRIP1 variant, c.2119C>T p.R707C (Levitus M et al. Nat. Genet. 2005 Sep;37:934-5). The phase (in cis or trans) of the two BRIP1 variants was not reported. Functional assays indicate this alteration inactivates the helicase activity of the protein, and severely compromises its ability to hydrolyze ATP (Bharti SK et al. Nucleic Acids Res., 2018 Jul;46:6238-6256). This variant has also been identified in multiple individuals diagnosed with breast cancer (Lajus TB et al. Gene. 2015 Sep;568:215-9; Guindalini RSC et al. Sci Rep, 2022 Mar;12:4190). This amino acid position is highly conserved in available vertebrate species. In addition, this alteration is predicted to be deleterious by in silico analysis. Since supporting evidence is limited at this time, the clinical significance of this alteration remains unclear.

Baylor Genetics
Classification: Uncertain significance for Familial cancer of breast. Last evaluated: 2024-03-22. Review status: criteria provided, single submitter. Criteria: ACMG Guidelines, 2015. Collection method: clinical testing. Allele origin: unknown.

German Consortium for Hereditary Breast and Ovarian Cancer, University Hospital Cologne
Classification: Uncertain significance for Hereditary breast ovarian cancer syndrome. Last evaluated: 2023-12-20. Review status: criteria provided, single submitter. Criteria: ACMG Guidelines, 2015. Collection method: curation. Allele origin: germline.
Comment: PM2_sup; PM3_sup, PP3, PS3_sup. According to the ACMG standard criteria we chose these criteria: PS3 (supporting pathogenic): Bharti (2018): "The FANCJ-W647C mutant was determined to be completely inactive for its helicase activity (Supplementary Figure S15) and displayed a dramatic 17-fold reduction in its kcat for ATP hydrolysis (Supplementary Table S4)", PM2 (supporting pathogenic): 1xhet in Gnomad , PM3 (supporting pathogenic): In a study of 8 patients diagnosed with Fanconi Anemia complementation group J (FA-J), this variant was seen in a patient who was also found to have another BRIP1 variant, c.2119C>T p.R707C (Levitus M et al. Nat. Genet. 2005 Sep;37:934-5). , PP3 (supporting pathogenic): BayesDel noAF score 0.2629 REVEL 0.749

Sema4
Classification: Uncertain significance for Hereditary cancer-predisposing syndrome. Last evaluated: 2021-09-09. Review status: criteria provided, single submitter. Criteria: Sema4 Curation Guidelines. Collection method: curation. Allele origin: germline.
Comment: The BRIP1 c.1941G>C (p.W647C) variant has been reported as compound heterozygosity in at least one individual with Fanconi anemia (PMID: 16116423). Functional studies have shown that this variant alters the helicase activity and the ability to hydrolyze ATP (PMID: 29788478). In silico tools suggest the impact of the variant on protein function is deleterious. It was observed in 1/34574 chromosomes of the Latino subpopulation in the large and broad cohorts of the Genome Aggregation Database (PMID: 32461654). The variant has been reported in ClinVar (Variation ID 241635). The evidence is insufficient to meet ACMG/AMP criteria for classifying the variant as benign or pathogenic. Thus, the clinical significance of this variant is currently uncertain.

Mendelics
Classification: Likely pathogenic for Familial cancer of breast. Last evaluated: 2019-05-28. Review status: criteria provided, single submitter. Criteria: Mendelics Assertion Criteria 2017. Collection method: clinical testing. Allele origin: unknown.

GeneDx
Classification: Uncertain significance. Last evaluated: 2015-09-01. Review status: criteria provided, single submitter. Criteria: GeneDx Variant Classification (06012015). Collection method: clinical testing. Allele origin: germline. Affected: yes.
Comment: This variant is denoted BRIP1 c.1941G>C at the cDNA level, p.Trp647Cys (W647C) at the protein level, and results in the change of a Tryptophan to a Cysteine (TGG>TGC). This variant has been reported with another missense variant in an individual with Fanconi Anemia, however, phase is not reported (Levitus 2005). BRIP1 Trp647Cys was not observed in approximately 6,500 individuals of European and African American ancestry in the NHLBI Exome Sequencing Project, indicating it is not a common benign variant in these populations. Since Tryptophan and Cysteine differ in polarity, charge, size or other properties, this is considered a non-conservative amino acid substitution. BRIP1 Trp647Cys occurs at a position that is conserved across species and is located in the helicase domain (Cantor 2011). In silico analyses predict that this variant is probably damaging to protein structure and function. Based on currently available information, it is unclear whether BRIP1 Trp647Cys is pathogenic or benign. We consider it to be a variant of uncertain significance.

Leiden Open Variation Database
Classification: Pathogenic for Fanconi anemia complementation group J. Last evaluated: 2011-02-07. Review status: no assertion criteria provided. Collection method: curation. Allele origin: germline. Affected: yes. Not counted in ClinVar's aggregate classification.
Comment: Curator: Arleen D. Auerbach. Submitter to LOVD: Arleen D. Auerbach.

Literature cited by the submitters: PubMed 16116423 (cited by 5 submitters); PubMed 25981591 (cited by 3 submitters); PubMed 32986223 (cited by Labcorp Genetics (formerly Invitae), Labcorp); PubMed 35264596 (cited by Labcorp Genetics (formerly Invitae), Labcorp and Ambry Genetics); PubMed 35534704 (cited by Labcorp Genetics (formerly Invitae), Labcorp); PubMed 29788478 (cited by 4 submitters).